The following is an entry in ClinVar:

ClinVar aggregate classification (germline): Uncertain significance. Review status: criteria provided, multiple submitters, no conflicts (2 of 4 stars). 2 submissions from 2 submitters: Uncertain significance (2). Last evaluated 2025-12-31.

Conditions:
Hypertrophic cardiomyopathy. Also called: HYPERTROPHIC MYOCARDIOPATHY. Identifiers: Orphanet 217569, MedGen C0007194, MeSH D002312, MONDO:0005045, HP:0001639.

gnomAD v4.1: 5 of 1,602,616 alleles (0.00031%); highest among the groups gnomAD compares: Admixed American, 0.0085%; no homozygotes.

Submissions (2):

Labcorp Genetics (formerly Invitae), Labcorp
Classification: Uncertain significance for Hypertrophic cardiomyopathy. Last evaluated: 2025-12-31. Review status: criteria provided, single submitter. Criteria: Invitae Variant Classification Sherloc (09022015). Collection method: clinical testing. Allele origin: germline.
Comment: This sequence change replaces valine, which is neutral and non-polar, with leucine, which is neutral and non-polar, at codon 1050 of the MYOM1 protein (p.Val1050Leu). This variant is present in population databases (rs775531572, gnomAD 0.02%). This variant has not been reported in the literature in individuals affected with MYOM1-related conditions. ClinVar contains an entry for this variant (Variation ID: 3916538). Invitae Evidence Modeling of protein sequence and biophysical properties (such as structural, functional, and spatial information, amino acid conservation, physicochemical variation, residue mobility, and thermodynamic stability) has been performed for this missense variant. However, the output from this modeling did not meet the statistical confidence thresholds required to predict the impact of this variant on MYOM1 protein function. In summary, the available evidence is currently insufficient to determine the role of this variant in disease. Therefore, it has been classified as a Variant of Uncertain Significance.

Ambry Genetics
Classification: Uncertain significance. Last evaluated: 2025-04-12. Review status: criteria provided, single submitter. Criteria: Ambry Variant Classification Scheme 2023. Collection method: clinical testing. Allele origin: germline.
Comment: The p.V1050L variant (also known as c.3148G>C), located in coding exon 20 of the MYOM1 gene, results from a G to C substitution at nucleotide position 3148. The valine at codon 1050 is replaced by leucine, an amino acid with highly similar properties. This amino acid position is conserved. In addition, the in silico prediction for this alteration is inconclusive. Based on the available evidence, the clinical significance of this variant remains unclear.

NM_003803.4(MYOM1):c.3148G>C (p.Val1050Leu)

Gene: MYOM1 (myomesin 1; minus strand). Cytogenetic location: 18p11.31.
Variant type: single nucleotide variant.
Coding change: c.3148G>C on transcript NM_003803.4 (MANE Select); coding-DNA position 3148, G replaced by C.
Protein change: p.Val1050Leu; replaces valine 1050 with leucine.
Molecular consequence: missense variant.
Genome position (GRCh38, 1-based): chr18:3,116,486, C>G on the plus strand (G>C on the coding strand, the complement: MYOM1 is on the minus strand). VCF-style: chr18-3116486-C-G. GRCh37 (hg19) VCF-style: chr18-3116484-C-G.
Other names: c.2860G>C, p.Val954Leu (NM_019856.2); short protein forms V954L, V1050L.
Identifiers: ClinVar variation 3916538 (VCV003916538.2).